The following is an entry in ClinVar:

ClinVar aggregate classification (germline): Uncertain significance (1 of 4 stars; one submission).

Submission:

Women's Health and Genetics/Laboratory Corporation of America, LabCorp
Classification: Uncertain significance. Last evaluated: 2015-10-27. Review status: criteria provided, single submitter. Criteria: LabCorp Variant Classification Summary - May 2015. Collection method: clinical testing. Allele origin: germline.
Comment: Variant Summary: This variant involves the duplication of exon 9 in PMS2. This duplication, to our knowledge, has not been reported in the literature or databases, and is too large to detect in population databases such as ExAC or ESP. Exon 9 has high homology with PMS2 pseudogene, and it is therefore difficult to distinguish between the two. Because of the absence of clinical information and the lack of functional studies, the variant was classified as a variant of uncertain significance (VUS) until additional information becomes available.

NM_000535.6(PMS2):c.904-?_988+?dup

Gene: PMS2 (PMS1 homolog 2, mismatch repair system component; minus strand).
Variant type: Duplication.
Coding change: c.904-?_988+?dup on transcript NM_000535.6.
Other names: c.904-?_988+?dup (LRG_161t1).
Identifiers: ClinVar variation 496044 (VCV000496044.1).